The following is an entry in ClinVar:

ClinVar aggregate classification (germline): Uncertain significance (1 of 4 stars; one submission).

gnomAD v4.1: 2 of 1,614,110 alleles (0.00012%); no homozygotes.

Submission:

GeneDx
Classification: Uncertain significance. Last evaluated: 2024-05-03. Review status: criteria provided, single submitter. Criteria: GeneDx Variant Classification Process June 2021. Collection method: clinical testing. Allele origin: germline. Affected: yes.
Comment: Not observed at significant frequency in large population cohorts (gnomAD); In silico analysis indicates that this missense variant does not alter protein structure/function; Has not been previously published as pathogenic or benign to our knowledge

NM_006662.3(SRCAP):c.4996G>A (p.Ala1666Thr)

Gene: SRCAP (Snf2 related CREBBP activator protein; plus strand). Cytogenetic location: 16p11.2.
Variant type: single nucleotide variant.
Coding change: c.4996G>A on transcript NM_006662.3 (MANE Select); coding-DNA position 4996, G replaced by A.
Protein change: p.Ala1666Thr; replaces alanine 1666 with threonine.
Molecular consequence: missense variant.
Genome position (GRCh38, 1-based): chr16:30,724,420, G>A. VCF-style: chr16-30724420-G-A. GRCh37 (hg19) VCF-style: chr16-30735741-G-A.
Other names: short protein forms A1666T.
Identifiers: ClinVar variation 3376084 (VCV003376084.1).
Genomic context (GRCh38, chr16:30,724,420, plus strand): 5'-TCACCGGTACCAGCTCCAACCCCTGTGTTGGCTCCATCATCAACTCAAACTATGCTACCA[G>A]CCCCGGTTCCGTCACCTCTCCCGAGCCCGGCTTCTACGCAGACACTGGCCCTAGCCCCAG-3'
Protein context (NP_006653.2, residues 1656-1676): APSSTQTMLP[Ala1666Thr]PVPSPLPSPA